The following is an entry in ClinVar:

NM_001034853.2(RPGR):c.800G>T (p.Gly267Val)

Gene: RPGR (retinitis pigmentosa GTPase regulator; minus strand). Cytogenetic location: Xp11.4.
Variant type: single nucleotide variant.
Coding change: c.800G>T on transcript NM_001034853.2 (MANE Select); coding-DNA position 800, G replaced by T.
Protein change: p.Gly267Val; replaces glycine 267 with valine.
Molecular consequence: missense variant. On other transcripts: non-coding transcript variant (5).
Genome position (GRCh38, 1-based): chrX:38,304,769, C>A on the plus strand (G>T on the coding strand, the complement: RPGR is on the minus strand). VCF-style: chrX-38304769-C-A. GRCh37 (hg19) VCF-style: chrX-38164022-C-A.
Other names: c.800G>T, p.Gly267Val (NM_000328.3, NM_001367246.1, NM_001367247.1 and 1 more transcripts); c.797G>T, p.Gly266Val (NM_001367245.1, NM_001367249.1, NM_001367250.1); c.830G>T, p.Gly277Val (NM_001367248.1); short protein forms G266V, G267V, G277V.
Identifiers: ClinVar variation 1485457 (VCV001485457.6), dbSNP rs2147248019, ClinGen allele CA412741686.

ClinVar aggregate classification (germline): Likely pathogenic (1 of 4 stars; one submission).

Conditions:
Primary ciliary dyskinesia. Also called: Ciliary dyskinesia. Identifiers: Orphanet 244, MedGen C0008780, MONDO:0016575, HP:0012265.

Submission:

Labcorp Genetics (formerly Invitae), Labcorp
Classification: Likely pathogenic for Primary ciliary dyskinesia. Last evaluated: 2022-11-29. Review status: criteria provided, single submitter. Criteria: Invitae Variant Classification Sherloc (09022015). Collection method: clinical testing. Allele origin: germline.
Comment: Advanced modeling of protein sequence and biophysical properties (such as structural, functional, and spatial information, amino acid conservation, physicochemical variation, residue mobility, and thermodynamic stability) performed at Invitae indicates that this missense variant is expected to disrupt RPGR protein function. In summary, the currently available evidence indicates that the variant is pathogenic, but additional data are needed to prove that conclusively. Therefore, this variant has been classified as Likely Pathogenic. This variant disrupts the Gly266 amino acid residue in RPGR. Other variant(s) that disrupt this residue have been observed in individuals with RPGR-related conditions (PMID: 11992260, 16969763; Invitae), which suggests that this may be a clinically significant amino acid residue. ClinVar contains an entry for this variant (Variation ID: 1485457). This missense change has been observed in individual(s) with retinitis pigmentosa (Invitae). This sequence change replaces glycine, which is neutral and non-polar, with valine, which is neutral and non-polar, at codon 267 of the RPGR protein (p.Gly267Val). This variant is not present in population databases (gnomAD no frequency).

Literature cited by the submitters: PubMed 11992260; PubMed 16969763.